The following is an entry in ClinVar:

ClinVar aggregate classification (germline): Likely benign. Review status: criteria provided, multiple submitters, no conflicts (2 of 4 stars). 3 submissions from 3 submitters: Likely benign (3). Last evaluated 2025-01-13.

Conditions:
Cardiovascular phenotype. Identifiers: MedGen CN230736.
Autosomal recessive limb-girdle muscular dystrophy type 2J (LGMDR10). Also called: MUSCULAR DYSTROPHY, LIMB-GIRDLE, AUTOSOMAL RECESSIVE 10; Limb-girdle muscular dystrophy, type 2J. Identifiers: Orphanet 140922, MedGen C1837342, MONDO:0012127, OMIM 608807.
Dilated cardiomyopathy 1G (CMD1G). Identifiers: Orphanet 154, MedGen C1858763, MONDO:0011400, OMIM 604145.

Allele frequency attached by ClinVar (database versions not stated): gnomAD exomes 0.00001; ExAC 0.00002; TOPMed 0.00002; gnomAD 0.00004.
gnomAD v4.1: 6 of 1,613,928 alleles (0.00037%); highest among the groups gnomAD compares: African/African-American, 0.008%; no homozygotes.

Submissions (3):

Labcorp Genetics (formerly Invitae), Labcorp
Classification: Likely benign for Dilated cardiomyopathy 1G; Autosomal recessive limb-girdle muscular dystrophy type 2J. Last evaluated: 2025-01-13. Review status: criteria provided, single submitter. Criteria: Invitae Variant Classification Sherloc (09022015). Collection method: clinical testing. Allele origin: germline.

Ambry Genetics
Classification: Likely benign for Cardiovascular phenotype. Last evaluated: 2022-09-12. Review status: criteria provided, single submitter. Criteria: Ambry Variant Classification Scheme 2023. Collection method: clinical testing. Allele origin: germline.

GeneDx
Classification: Likely benign. Last evaluated: 2017-11-08. Review status: criteria provided, single submitter. Criteria: GeneDx Variant Classification (06012015). Collection method: clinical testing. Allele origin: germline. Affected: yes.
Comment: This variant is considered likely benign or benign based on one or more of the following criteria: it is a conservative change, it occurs at a poorly conserved position in the protein, it is predicted to be benign by multiple in silico algorithms, and/or has population frequency not consistent with disease.

NM_001267550.2(TTN):c.7416T>C (p.Asp2472=)

Genes: TTN (titin; minus strand), LOC126806433 (BRD4-independent group 4 enhancer GRCh37_chr2:179638309-179639508; plus strand). Cytogenetic location: 2q31.2.
Variant type: single nucleotide variant.
Coding change: c.7416T>C on transcript NM_001267550.2 (MANE Select); coding-DNA position 7416, T replaced by C.
Protein change: p.Asp2472=; no amino-acid change (aspartic acid 2472 retained).
Molecular consequence: synonymous variant.
Genome position (GRCh38, 1-based): chr2:178,773,640, A>G on the plus strand (T>C on the coding strand, the complement: TTN is on the minus strand). VCF-style: chr2-178773640-A-G. GRCh37 (hg19) VCF-style: chr2-179638367-A-G.
Other names: c.7278T>C, p.Asp2426= (NM_003319.4, NM_133432.3, NM_133437.4); c.7416T>C, p.Asp2472= (NM_133378.4, NM_133379.5, NM_001256850.1).
Identifiers: ClinVar variation 513361 (VCV000513361.11), dbSNP rs763423885, ClinGen allele CA2004814.